The following is an entry in ClinVar:

NM_001927.4(DES):c.991T>A (p.Tyr331Asn)

Gene: DES (desmin; plus strand). Cytogenetic location: 2q35.
Variant type: single nucleotide variant.
Coding change: c.991T>A on transcript NM_001927.4 (MANE Select); coding-DNA position 991, T replaced by A.
Protein change: p.Tyr331Asn; replaces tyrosine 331 with asparagine.
Molecular consequence: missense variant.
Genome position (GRCh38, 1-based): chr2:219,420,921, T>A. VCF-style: chr2-219420921-T-A. GRCh37 (hg19) VCF-style: chr2-220285643-T-A.
Other names: c.991T>A (LRG_380t1); short protein forms Y331N.
Identifiers: ClinVar variation 421689 (VCV000421689.8), dbSNP rs1064795298, ClinGen allele CA16617480.

ClinVar aggregate classification (germline): Uncertain significance. Review status: criteria provided, multiple submitters, no conflicts (2 of 4 stars). 2 submissions from 2 submitters: Uncertain significance (2). Last evaluated 2024-10-10.

Conditions:
Desmin-related myofibrillar myopathy (MFM1). Also called: Desmin related myopathy (former name); Desmin storage myopathy (former name); MYOFIBRILLAR MYOPATHY WITH ARRHYTHMOGENIC RIGHT VENTRICULAR CARDIOMYOPATHY; DESMIN-RELATED MYOPATHY WITH ARRHYTHMOGENIC RIGHT VENTRICULAR CARDIOMYOPATHY; Myofibrillar myopathy 1; Desminopathy. Identifiers: Orphanet 363543, Orphanet 98909, MedGen C1832370, MONDO:0011076, OMIM 601419.

Allele frequency attached by ClinVar (database versions not stated): gnomAD exomes below 0.00001.

Submissions (2):

Labcorp Genetics (formerly Invitae), Labcorp
Classification: Uncertain significance for Desmin-related myofibrillar myopathy. Last evaluated: 2024-10-10. Review status: criteria provided, single submitter. Criteria: Invitae Variant Classification Sherloc (09022015). Collection method: clinical testing. Allele origin: germline.
Comment: This sequence change replaces tyrosine, which is neutral and polar, with asparagine, which is neutral and polar, at codon 331 of the DES protein (p.Tyr331Asn). This variant is not present in population databases (gnomAD no frequency). This missense change has been observed in individual(s) with arrhythmogenic right ventricular cardiomyopathy (PMID: 27532257). ClinVar contains an entry for this variant (Variation ID: 421689). Invitae Evidence Modeling of protein sequence and biophysical properties (such as structural, functional, and spatial information, amino acid conservation, physicochemical variation, residue mobility, and thermodynamic stability) has been performed for this missense variant. However, the output from this modeling did not meet the statistical confidence thresholds required to predict the impact of this variant on DES protein function. In summary, the available evidence is currently insufficient to determine the role of this variant in disease. Therefore, it has been classified as a Variant of Uncertain Significance.

GeneDx
Classification: Uncertain significance. Last evaluated: 2016-07-18. Review status: criteria provided, single submitter. Criteria: GeneDx Variant Classification (06012015). Collection method: clinical testing. Allele origin: germline. Affected: yes.
Comment: A variant of uncertain significance has been identified in the DES gene. The Y331N variant has not been published as a pathogenic variant, nor has it been reported as a benign variant to our knowledge. The Y331N variant was not observed in approximately 6,500 individuals of European and African American ancestry in the NHLBI Exome Sequencing Project, indicating it is not a common benign variant in these populations. The Y331N variant is a semi-conservative amino acid substitution, which may impact secondary protein structure as these residues differ in some properties. In silico analysis predicts this variant is probably damaging to the protein structure/function. However, this substitution occurs at a position where amino acids with similar properties to Tyrosine are tolerated across species. Therefore, based on the currently available information, it is unclear whether this variant is pathogenic or rare benign.

Literature cited by the submitters: PubMed 27532257 (cited by Labcorp Genetics (formerly Invitae), Labcorp).